The following is an entry in ClinVar:

ClinVar aggregate classification (germline): Likely benign (0 of 4 stars; one submission).

Conditions:
NLRP2-related disorder. Also called: NLRP2-related condition.

Allele frequency attached by ClinVar (database versions not stated): gnomAD 0.00005; TOPMed 0.00006; gnomAD exomes 0.00008; ExAC 0.00005; ESP Exome Variant Server 0.00015; 1000 Genomes Project 30x 0.00016; 1000 Genomes Project 0.00020.
gnomAD v4.1: 130 of 1,614,200 alleles (0.0081%); highest among the groups gnomAD compares: Non-Finnish European, 0.0097%; no homozygotes.

Submission:

PreventionGenetics, part of Exact Sciences
Classification: Likely benign for NLRP2-related condition. Last evaluated: 2019-06-17. Review status: no assertion criteria provided. Collection method: clinical testing. Allele origin: germline.
Comment: This variant is classified as likely benign based on ACMG/AMP sequence variant interpretation guidelines (Richards et al. 2015 PMID: 25741868, with internal and published modifications).

NM_017852.5(NLRP2):c.213G>A (p.Ala71=)

Gene: NLRP2 (NLR family pyrin domain containing 2; plus strand). Cytogenetic location: 19q13.42.
Variant type: single nucleotide variant.
Coding change: c.213G>A on transcript NM_017852.5 (MANE Select); coding-DNA position 213, G replaced by A.
Protein change: p.Ala71=; no amino-acid change (alanine 71 retained).
Molecular consequence: synonymous variant. On other transcripts: non-coding transcript variant (1).
Genome position (GRCh38, 1-based): chr19:54,970,228, G>A. VCF-style: chr19-54970228-G-A. GRCh37 (hg19) VCF-style: chr19-55481596-G-A.
Other names: c.213G>A, p.Ala71= (NM_001174081.3, NM_001174082.3, NM_001348003.2); c.144G>A, p.Ala48= (NM_001174083.2).
Identifiers: ClinVar variation 3033642 (VCV003033642.2), dbSNP rs199711745, ClinGen allele CA310059105.